The following is an entry in ClinVar:

ClinVar aggregate classification (germline): Uncertain significance (1 of 4 stars; one submission).

Submission:

Athena Diagnostics
Classification: Uncertain significance. Last evaluated: 2025-01-21. Review status: criteria provided, single submitter. Criteria: Athena Diagnostics Criteria. Collection method: clinical testing. Allele origin: unknown.
Comment: Available data are insufficient to determine the clinical significance of the variant at this time. This variant has not been reported in large, multi-ethnic general populations. Polyphen and MutationTaster predict this amino acid change may be benign.

NM_000144.5(FXN):c.26T>C (p.Val9Ala)

Genes: FXN (frataxin; plus strand), LOC130001862 (ATAC-STARR-seq lymphoblastoid silent region 19931; plus strand). Cytogenetic location: 9q21.11.
Variant type: single nucleotide variant.
Coding change: c.26T>C on transcript NM_000144.5 (MANE Select); coding-DNA position 26, T replaced by C.
Protein change: p.Val9Ala; replaces valine 9 with alanine.
Molecular consequence: missense variant.
Genome position (GRCh38, 1-based): chr9:69,035,808, T>C. VCF-style: chr9-69035808-T-C. GRCh37 (hg19) VCF-style: chr9-71650724-T-C.
Other names: c.26T>C, p.Val9Ala (NM_181425.3); short protein forms V9A.
Identifiers: ClinVar variation 4682333 (VCV004682333.1).